The following is an entry in ClinVar:

NM_031935.3(HMCN1):c.8204C>G (p.Ala2735Gly)

Gene: HMCN1 (hemicentin 1; plus strand). Cytogenetic location: 1q31.1.
Variant type: single nucleotide variant.
Coding change: c.8204C>G on transcript NM_031935.3 (MANE Select); coding-DNA position 8204, C replaced by G.
Protein change: p.Ala2735Gly; replaces alanine 2735 with glycine.
Molecular consequence: missense variant.
Genome position (GRCh38, 1-based): chr1:186,074,805, C>G. VCF-style: chr1-186074805-C-G. GRCh37 (hg19) VCF-style: chr1-186043937-C-G.
Other names: c.8204C>G (NM_031935.2); short protein forms A2735G.
Identifiers: ClinVar variation 1713650 (VCV001713650.7), dbSNP rs2527823508, ClinGen allele CA343911276.
Genomic context (GRCh38, chr1:186,074,805, plus strand): 5'-TTAAATCCGATGATCATGTTAATATTGCTGCGAATGGACACACACTTCAAATAAAGGAGG[C>G]TCAAATATCAGACACCGGACGATATACTTGTGTAGCATCTAACATTGCAGGTGAAGATGA-3'
Protein context (NP_114141.2, residues 2725-2745): ANGHTLQIKE[Ala2735Gly]QISDTGRYTC

ClinVar aggregate classification (germline): Uncertain significance. Review status: criteria provided, multiple submitters, no conflicts (2 of 4 stars). 2 submissions from 2 submitters: Uncertain significance (2). Last evaluated 2025-05-23.

Submissions (2):

Ambry Genetics
Classification: Uncertain significance. Last evaluated: 2025-05-23. Review status: criteria provided, single submitter. Criteria: Ambry Variant Classification Scheme 2023. Collection method: clinical testing. Allele origin: germline.

Labcorp Genetics (formerly Invitae), Labcorp
Classification: Uncertain significance. Last evaluated: 2022-10-28. Review status: criteria provided, single submitter. Criteria: Invitae Variant Classification Sherloc (09022015). Collection method: clinical testing. Allele origin: germline.
Comment: In summary, the available evidence is currently insufficient to determine the role of this variant in disease. Therefore, it has been classified as a Variant of Uncertain Significance. Algorithms developed to predict the effect of missense changes on protein structure and function are either unavailable or do not agree on the potential impact of this missense change (SIFT: "Deleterious"; PolyPhen-2: "Benign"; Align-GVGD: "Class C55"). This variant has not been reported in the literature in individuals affected with HMCN1-related conditions. This variant is not present in population databases (gnomAD no frequency). This sequence change replaces alanine, which is neutral and non-polar, with glycine, which is neutral and non-polar, at codon 2735 of the HMCN1 protein (p.Ala2735Gly).